The following is an entry in ClinVar:

ClinVar aggregate classification (germline): Uncertain significance (1 of 4 stars; one submission).

Allele frequency attached by ClinVar (database versions not stated): ExAC 0.00005; 1000 Genomes Project 30x 0.00016; 1000 Genomes Project 0.00020.
gnomAD v4.1: 23 of 1,614,030 alleles (0.0014%); highest among the groups gnomAD compares: Non-Finnish European, 0.0018%; no homozygotes.

Submission:

Labcorp Genetics (formerly Invitae), Labcorp
Classification: Uncertain significance. Last evaluated: 2023-04-24. Review status: criteria provided, single submitter. Criteria: Invitae Variant Classification Sherloc (09022015). Collection method: clinical testing. Allele origin: germline.
Comment: In summary, the available evidence is currently insufficient to determine the role of this variant in disease. Therefore, it has been classified as a Variant of Uncertain Significance. Algorithms developed to predict the effect of missense changes on protein structure and function output the following: SIFT: "Not Available"; PolyPhen-2: "Benign"; Align-GVGD: "Not Available". The lysine amino acid residue is found in multiple mammalian species, which suggests that this missense change does not adversely affect protein function. ClinVar contains an entry for this variant (Variation ID: 1935442). This variant has not been reported in the literature in individuals affected with AHR-related conditions. This variant is present in population databases (rs544271397, gnomAD 0.009%). This sequence change replaces glutamic acid, which is acidic and polar, with lysine, which is basic and polar, at codon 488 of the AHR protein (p.Glu488Lys).

NM_001621.5(AHR):c.1462G>A (p.Glu488Lys)

Gene: AHR (aryl hydrocarbon receptor; plus strand). Cytogenetic location: 7p21.1.
Variant type: single nucleotide variant.
Coding change: c.1462G>A on transcript NM_001621.5 (MANE Select); coding-DNA position 1462, G replaced by A.
Protein change: p.Glu488Lys; replaces glutamic acid 488 with lysine.
Molecular consequence: missense variant.
Genome position (GRCh38, 1-based): chr7:17,339,287, G>A. VCF-style: chr7-17339287-G-A. GRCh37 (hg19) VCF-style: chr7-17378911-G-A.
Other names: short protein forms E488K.
Identifiers: ClinVar variation 1935442 (VCV001935442.3), dbSNP rs544271397, ClinGen allele CA4172119.